The following is an entry in ClinVar:

NM_000059.4(BRCA2):c.7084T>C (p.Leu2362=)

Gene: BRCA2 (BRCA2 DNA repair associated; plus strand). Cytogenetic location: 13q13.1.
Variant type: single nucleotide variant.
Coding change: c.7084T>C on transcript NM_000059.4 (MANE Select); coding-DNA position 7084, T replaced by C.
Protein change: p.Leu2362=; no amino-acid change (leucine 2362 retained).
Molecular consequence: synonymous variant.
Genome position (GRCh38, 1-based): chr13:32,354,937, T>C. VCF-style: chr13-32354937-T-C. GRCh37 (hg19) VCF-style: chr13-32929074-T-C.
Identifiers: ClinVar variation 929249 (VCV000929249.4), dbSNP rs2072677643, ClinGen allele CA483439384.
Genomic context (GRCh38, chr13:32,354,937, plus strand): 5'-CAAGAGATACAGAATCCAAATTTTACCGCACCTGGTCAAGAATTTCTGTCTAAATCTCAT[T>C]TGTATGAACATCTGACTTTGGAAAAATCTTCAAGCAATTTAGCAGTTTCAGGACATCCAT-3'
Protein context (NP_000050.3, residues 2352-2372): PGQEFLSKSH[Leu2362=]YEHLTLEKSS

ClinVar aggregate classification (germline): Likely benign. Review status: criteria provided, multiple submitters, no conflicts (2 of 4 stars). 3 submissions from 3 submitters: Likely benign (2). 1 of the submissions does not count toward it. Last evaluated 2026-04-12.

Conditions:
BRCA2-related disorder. Also called: BRCA2-related condition; BRCA2-related disorders. Identifiers: MedGen CN239275.
Hereditary cancer-predisposing syndrome. Also called: Hereditary Cancer Syndrome; Neoplastic Syndromes, Hereditary; Tumor predisposition; Hereditary neoplastic syndrome. Identifiers: Orphanet 140162, MedGen C0027672, MeSH D009386, MONDO:0015356.

Submissions (3):

Ambry Genetics
Classification: Likely benign for Hereditary cancer-predisposing syndrome. Last evaluated: 2026-04-12. Review status: criteria provided, single submitter. Criteria: Ambry Variant Classification Scheme 2023. Collection method: clinical testing. Allele origin: germline.

Women's Health and Genetics/Laboratory Corporation of America, LabCorp
Classification: Likely benign. Last evaluated: 2019-09-06. Review status: criteria provided, single submitter. Criteria: LabCorp Variant Classification Summary - May 2015. Collection method: clinical testing. Allele origin: germline.

PreventionGenetics, part of Exact Sciences
Classification: Likely benign for BRCA2-related condition. Last evaluated: 2023-09-06. Review status: no assertion criteria provided. Collection method: clinical testing. Allele origin: germline. Not counted in ClinVar's aggregate classification.
Comment: This variant is classified as likely benign based on ACMG/AMP sequence variant interpretation guidelines (Richards et al. 2015 PMID: 25741868, with internal and published modifications).